The following is an entry in ClinVar:

ClinVar aggregate classification (germline): Pathogenic. Review status: reviewed by expert panel (3 of 4 stars). 6 submissions from 6 submitters: Pathogenic (1). 5 of the submissions do not count toward it. Last evaluated 2013-09-05.

Conditions:
Hereditary nonpolyposis colon cancer (HNPCC). Also called: Hereditary Nonpolyposis Colorectal Cancer Syndrome; Hereditary nonpolyposis colorectal cancer; Familial nonpolyposis colon cancer. Identifiers: Orphanet 443909, MedGen C1333990, MONDO:0018630. Disease mechanism: loss of function.
Hereditary nonpolyposis colorectal neoplasms. Identifiers: MedGen C0009405, MeSH D003123.
Lynch syndrome. Identifiers: Orphanet 144, MedGen C4552100, MONDO:0005835. Disease mechanism: loss of function.
Lynch syndrome 4 (LYNCH4). Also called: Colorectal cancer, hereditary nonpolyposis, type 4; Hereditary non-polyposis colorectal cancer, type 4. Identifiers: Orphanet 144, MedGen C1838333, MONDO:0013699, OMIM 614337. Disease mechanism: loss of function.

Submissions (6):

International Society for Gastrointestinal Hereditary Tumours (InSiGHT)
Classification: Pathogenic for Lynch Syndrome. Last evaluated: 2013-09-05. Review status: reviewed by expert panel. Criteria: Guidelines v1.9. Collection method: research. Allele origin: germline.
Comment: Coding sequence variation resulting in a stop codon

Classified with v1.9 guidelines

Labcorp Genetics (formerly Invitae), Labcorp
Classification: Pathogenic for Hereditary nonpolyposis colorectal neoplasms. Last evaluated: 2026-01-05. Review status: criteria provided, single submitter. Criteria: Invitae Variant Classification Sherloc (09022015). Collection method: clinical testing. Allele origin: germline. Not counted in ClinVar's aggregate classification.
Comment: This sequence change creates a premature translational stop signal (p.Arg578Alafs*3) in the PMS2 gene. It is expected to result in an absent or disrupted protein product. Loss-of-function variants in PMS2 are known to be pathogenic (PMID: 21376568, 24362816). This variant is not present in population databases (gnomAD no frequency). This premature translational stop signal has been observed in individual(s) with colorectal cancer and constitutional mismatch repair deficiency (CMMR-D) associated tumors (PMID: 17557300, 22585707). It has also been observed to segregate with disease in related individuals. ClinVar contains an entry for this variant (Variation ID: 91310). For these reasons, this variant has been classified as Pathogenic.

CeGaT Center for Human Genetics Tuebingen
Classification: Pathogenic. Last evaluated: 2024-10-01. Review status: criteria provided, single submitter. Criteria: CeGaT Center For Human Genetics Tuebingen Variant Classification Criteria Version 2. Collection method: clinical testing. Allele origin: germline. Affected: yes. Observed: 1 variant allele. Not counted in ClinVar's aggregate classification.
Comment: PMS2: PVS1, PM3:Strong, PM2, PS4:Supporting

Women's Health and Genetics/Laboratory Corporation of America, LabCorp
Classification: Pathogenic for Hereditary nonpolyposis colon cancer. Last evaluated: 2023-11-20. Review status: criteria provided, single submitter. Criteria: LabCorp Variant Classification Summary - May 2015. Collection method: clinical testing. Allele origin: germline. Not counted in ClinVar's aggregate classification.
Comment: Variant summary: PMS2 c.1730dupA (p.Arg578AlafsX3) results in a premature termination codon, predicted to cause a truncation of the encoded protein or absence of the protein due to nonsense mediated decay, which are commonly known mechanisms for disease. Variants downstream of this position have been classified as pathogenic by our laboratory. The variant was absent in 251352 control chromosomes. c.1730dupA has been reported in the literature as a biallelic genotype alongside another pathogenic PMS2 variant in two siblings affected with features of Constitutional Mismatch Repair Deficiency (CMMRD) (Auclair_2007 cited in Bodo_2015 and preumed overlap with Suerink_2019). The following publications have been ascertained in the context of this evaluation (PMID: 17557300, 26116798, 31204389). One submitter has cited clinical-significance assessments for this variant to ClinVar after 2014 and has classified the variant as pathogenic. Based on PMS2 loss of function as an established mechanism of disease and the evidence outlined above, the variant was classified as pathogenic.

Myriad Genetics, Inc.
Classification: Pathogenic for Lynch syndrome 4. Last evaluated: 2023-09-20. Review status: criteria provided, single submitter. Criteria: Myriad Autosomal Dominant, Autosomal Recessive and X-Linked Classification Criteria (2023). Collection method: clinical testing. Allele origin: unknown. Not counted in ClinVar's aggregate classification.
Comment: This variant is considered pathogenic. This variant creates a frameshift predicted to result in premature protein truncation.

Department of Pathology and Laboratory Medicine, Sinai Health System
Classification: Pathogenic for Lynch syndrome 4. Last evaluated: 2018-08-20. Review status: criteria provided, single submitter. Criteria: ACMG Guidelines, 2015. Collection method: clinical testing. Allele origin: germline. Affected: yes. Not counted in ClinVar's aggregate classification.

Literature cited by the submitters: PubMed 21376568 (cited by Labcorp Genetics (formerly Invitae), Labcorp and Department of Pathology and Laboratory Medicine, Sinai Health System); PubMed 24362816 (cited by Labcorp Genetics (formerly Invitae), Labcorp); PubMed 17557300 (cited by 3 submitters); PubMed 22585707 (cited by Labcorp Genetics (formerly Invitae), Labcorp and Department of Pathology and Laboratory Medicine, Sinai Health System); PubMed 26116798 (cited by Women's Health and Genetics/Laboratory Corporation of America, LabCorp); PubMed 31204389 (cited by Women's Health and Genetics/Laboratory Corporation of America, LabCorp); PubMed 26318770 (cited by Department of Pathology and Laboratory Medicine, Sinai Health System).

NM_000535.7(PMS2):c.1730dup (p.Arg578fs)

Gene: PMS2 (PMS1 homolog 2, mismatch repair system component; minus strand). Cytogenetic location: 7p22.1.
Variant type: Duplication.
Coding change: c.1730dup on transcript NM_000535.7 (MANE Select); coding-DNA position 1730, one base duplicated (A; older notation c.1730dupA).
Protein change: p.Arg578fs; shifts the reading frame from arginine 578.
Molecular consequence: frameshift variant. On other transcripts: non-coding transcript variant (1).
Genome position (GRCh38, 1-based): chr7:5,987,035, T duplicated on the plus strand (A on the coding strand, the reverse complement: PMS2 is on the minus strand); the first of 3 consecutive T bases (chr7:5,987,035-5,987,037); duplicating any one gives the same sequence. VCF-style (leftmost placement, unchanged base first): chr7-5987034-C-CT. GRCh37 (hg19) VCF-style: chr7-6026665-C-CT.
Other names: c.1325dup, p.Arg443fs (NM_001322003.2, NM_001322004.2, NM_001322005.2 and 1 more transcripts); c.1574dup, p.Arg526fs (NM_001322006.2); c.1412dup, p.Arg472fs (NM_001322007.2, NM_001322008.2); c.1169dup, p.Arg391fs (NM_001322010.2); c.797dup, p.Arg267fs (NM_001322011.2, NM_001322012.2); c.1157dup, p.Arg387fs (NM_001322013.2); c.1730dup, p.Arg578fs (NM_001322014.2); c.1421dup, p.Arg475fs (NM_001322015.2); and 1 more; short protein forms R267fs, R443fs, R391fs, R578fs, R387fs, R472fs, R526fs, R475fs.
Identifiers: ClinVar variation 91310 (VCV000091310.25), dbSNP rs587779330, ClinGen allele CA331743.